The following is an entry in ClinVar:

ClinVar aggregate classification (germline): Uncertain significance (1 of 4 stars; one submission).

Conditions:
Hereditary cancer-predisposing syndrome. Also called: Hereditary neoplastic syndrome; Tumor predisposition; Hereditary Cancer Syndrome; Neoplastic Syndromes, Hereditary. Identifiers: Orphanet 140162, MedGen C0027672, MeSH D009386, MONDO:0015356.

gnomAD v4.1: 1 of 1,614,182 alleles (0.000062%); highest among the groups gnomAD compares: South Asian, 0.0011%; no homozygotes.

Submission:

Ambry Genetics
Classification: Uncertain significance for Hereditary cancer-predisposing syndrome. Last evaluated: 2023-06-24. Review status: criteria provided, single submitter. Criteria: Ambry Variant Classification Scheme 2023. Collection method: clinical testing. Allele origin: germline.
Comment: The p.N815H variant (also known as c.2443A>C), located in coding exon 11 of the BLM gene, results from an A to C substitution at nucleotide position 2443. The asparagine at codon 815 is replaced by histidine, an amino acid with similar properties. This amino acid position is conserved. In addition, this alteration is predicted to be tolerated by in silico analysis. Since supporting evidence is limited at this time, the clinical significance of this alteration remains unclear.

NM_000057.4(BLM):c.2443A>C (p.Asn815His)

Gene: BLM (BLM RecQ like helicase; plus strand). Cytogenetic location: 15q26.1.
Variant type: single nucleotide variant.
Coding change: c.2443A>C on transcript NM_000057.4 (MANE Select); coding-DNA position 2443, A replaced by C.
Protein change: p.Asn815His; replaces asparagine 815 with histidine.
Molecular consequence: missense variant.
Genome position (GRCh38, 1-based): chr15:90,769,474, A>C. VCF-style: chr15-90769474-A-C. GRCh37 (hg19) VCF-style: chr15-91312704-A-C.
Other names: c.2443A>C, p.Asn815His (NM_001287246.2, NM_001287247.2); c.1318A>C, p.Asn440His (NM_001287248.2); short protein forms N440H, N815H.
Identifiers: ClinVar variation 2586866 (VCV002586866.2), dbSNP rs2505456551, ClinGen allele CA393845332.